The following is an entry in ClinVar:

NM_001374259.2(IL12RB2):c.1856-5T>C

Gene: IL12RB2 (interleukin 12 receptor subunit beta 2; plus strand). Cytogenetic location: 1p31.3.
Variant type: single nucleotide variant.
Coding change: c.1856-5T>C on transcript NM_001374259.2 (MANE Select); 5 bases into the intron before coding-DNA position 1856, T replaced by C.
Molecular consequence: intron variant.
Genome position (GRCh38, 1-based): chr1:67,386,574, T>C. VCF-style: chr1-67386574-T-C. GRCh37 (hg19) VCF-style: chr1-67852257-T-C.
Other names: c.1856-5T>C (NM_001258214.1, NM_001319233.1, NM_001559.3); c.1855+6451T>C (NM_001258216.1); c.1598-5T>C (NM_001258215.1).
Identifiers: ClinVar variation 3728517 (VCV003728517.2).

ClinVar aggregate classification (germline): Uncertain significance (1 of 4 stars; one submission).

Submission:

Labcorp Genetics (formerly Invitae), Labcorp
Classification: Uncertain significance. Last evaluated: 2025-01-05. Review status: criteria provided, single submitter. Criteria: Invitae Variant Classification Sherloc (09022015). Collection method: clinical testing. Allele origin: germline.
Comment: This sequence change falls in intron 13 of the IL12RB2 gene. It does not directly change the encoded amino acid sequence of the IL12RB2 protein. This variant is not present in population databases (gnomAD no frequency). This variant has not been reported in the literature in individuals affected with IL12RB2-related conditions. Algorithms developed to predict the effect of sequence changes on RNA splicing suggest that this variant may disrupt the consensus splice site. In summary, the available evidence is currently insufficient to determine the role of this variant in disease. Therefore, it has been classified as a Variant of Uncertain Significance.